The following is an entry in ClinVar:

ClinVar aggregate classification (germline): Uncertain significance. Review status: criteria provided, multiple submitters, no conflicts (2 of 4 stars). 2 submissions from 2 submitters: Uncertain significance (2). Last evaluated 2026-08-31.

Conditions:
Inborn genetic diseases. Identifiers: MedGen C0950123, MeSH D030342.

gnomAD v4.1: 1 of 1,613,574 alleles (0.000062%); highest among the groups gnomAD compares: Non-Finnish European, 0.000085%; no homozygotes.

Submissions (2):

Ambry Genetics
Classification: Uncertain significance for Inborn genetic diseases. Last evaluated: 2026-08-31. Review status: criteria provided, single submitter. Criteria: Ambry Variant Classification Scheme 2023. Collection method: clinical testing. Allele origin: germline.

Labcorp Genetics (formerly Invitae), Labcorp
Classification: Uncertain significance. Last evaluated: 2024-03-14. Review status: criteria provided, single submitter. Criteria: Invitae Variant Classification Sherloc (09022015). Collection method: clinical testing. Allele origin: germline.
Comment: This sequence change replaces threonine, which is neutral and polar, with serine, which is neutral and polar, at codon 425 of the SAMD9 protein (p.Thr425Ser). This variant is not present in population databases (gnomAD no frequency). This variant has not been reported in the literature in individuals affected with SAMD9-related conditions. Advanced modeling of protein sequence and biophysical properties (such as structural, functional, and spatial information, amino acid conservation, physicochemical variation, residue mobility, and thermodynamic stability) performed at Invitae indicates that this missense variant is not expected to disrupt SAMD9 protein function with a negative predictive value of 95%. In summary, the available evidence is currently insufficient to determine the role of this variant in disease. Therefore, it has been classified as a Variant of Uncertain Significance.

NM_017654.4(SAMD9):c.1273A>T (p.Thr425Ser)

Gene: SAMD9 (sterile alpha motif domain containing 9; minus strand). Cytogenetic location: 7q21.2.
Variant type: single nucleotide variant.
Coding change: c.1273A>T on transcript NM_017654.4 (MANE Select); coding-DNA position 1273, A replaced by T.
Protein change: p.Thr425Ser; replaces threonine 425 with serine.
Molecular consequence: missense variant.
Genome position (GRCh38, 1-based): chr7:93,104,825, T>A on the plus strand (A>T on the coding strand, the complement: SAMD9 is on the minus strand). VCF-style: chr7-93104825-T-A. GRCh37 (hg19) VCF-style: chr7-92734138-T-A.
Other names: c.1273A>T, p.Thr425Ser (NM_001193307.2); short protein forms T425S.
Identifiers: ClinVar variation 3436993 (VCV003436993.4).